The following is an entry in ClinVar:

ClinVar aggregate classification (germline): Uncertain significance (1 of 4 stars; one submission).

Allele frequency attached by ClinVar (database versions not stated): TOPMed below 0.00001; ExAC 0.00001; gnomAD 0.00001; gnomAD exomes 0.00001.

Submission:

Labcorp Genetics (formerly Invitae), Labcorp
Classification: Uncertain significance. Last evaluated: 2022-03-14. Review status: criteria provided, single submitter. Criteria: Invitae Variant Classification Sherloc (09022015). Collection method: clinical testing. Allele origin: germline.
Comment: This sequence change replaces isoleucine, which is neutral and non-polar, with threonine, which is neutral and polar, at codon 547 of the MTTP protein (p.Ile547Thr). This variant is present in population databases (rs765341541, gnomAD 0.003%). This variant has not been reported in the literature in individuals affected with MTTP-related conditions. Algorithms developed to predict the effect of missense changes on protein structure and function (SIFT, PolyPhen-2, Align-GVGD) all suggest that this variant is likely to be disruptive. In summary, the available evidence is currently insufficient to determine the role of this variant in disease. Therefore, it has been classified as a Variant of Uncertain Significance.

NM_001386140.1(MTTP):c.1640T>C (p.Ile547Thr)

Gene: MTTP (microsomal triglyceride transfer protein; plus strand). Cytogenetic location: 4q23.
Variant type: single nucleotide variant.
Coding change: c.1640T>C on transcript NM_001386140.1 (MANE Select); coding-DNA position 1640, T replaced by C.
Protein change: p.Ile547Thr; replaces isoleucine 547 with threonine.
Molecular consequence: missense variant.
Genome position (GRCh38, 1-based): chr4:99,608,848, T>C. VCF-style: chr4-99608848-T-C. GRCh37 (hg19) VCF-style: chr4-100530005-T-C.
Other names: c.1640T>C, p.Ile547Thr (NM_000253.4); c.1391T>C, p.Ile464Thr (NM_001300785.2); short protein forms I464T, I547T.
Identifiers: ClinVar variation 2199222 (VCV002199222.1), dbSNP rs765341541, ClinGen allele CA3022148.